The following is an entry in ClinVar:

NM_001170629.2(CHD8):c.408G>C (p.Met136Ile)

Gene: CHD8 (chromodomain helicase DNA binding protein 8; minus strand). Cytogenetic location: 14q11.2.
Variant type: single nucleotide variant.
Coding change: c.408G>C on transcript NM_001170629.2 (MANE Select); coding-DNA position 408, G replaced by C.
Protein change: p.Met136Ile; replaces methionine 136 with isoleucine.
Molecular consequence: missense variant. On other transcripts: intron variant (1).
Genome position (GRCh38, 1-based): chr14:21,431,236, C>G on the plus strand (G>C on the coding strand, the complement: CHD8 is on the minus strand). VCF-style: chr14-21431236-C-G. GRCh37 (hg19) VCF-style: chr14-21899395-C-G.
Other names: c.6+575G>C (NM_020920.4); short protein forms M136I.
Identifiers: ClinVar variation 1949499 (VCV001949499.5), dbSNP rs755770362, ClinGen allele CA388888822.

ClinVar aggregate classification (germline): Uncertain significance (1 of 4 stars; one submission).

Submission:

Labcorp Genetics (formerly Invitae), Labcorp
Classification: Uncertain significance. Last evaluated: 2022-10-13. Review status: criteria provided, single submitter. Criteria: Invitae Variant Classification Sherloc (09022015). Collection method: clinical testing. Allele origin: germline.
Comment: In summary, the available evidence is currently insufficient to determine the role of this variant in disease. Therefore, it has been classified as a Variant of Uncertain Significance. Algorithms developed to predict the effect of missense changes on protein structure and function (SIFT, PolyPhen-2, Align-GVGD) all suggest that this variant is likely to be tolerated. This variant has not been reported in the literature in individuals affected with CHD8-related conditions. This variant is not present in population databases (gnomAD no frequency). This sequence change replaces methionine, which is neutral and non-polar, with isoleucine, which is neutral and non-polar, at codon 136 of the CHD8 protein (p.Met136Ile).